The following is an entry in ClinVar:

ClinVar aggregate classification (germline): Uncertain significance. Review status: criteria provided, multiple submitters, no conflicts (2 of 4 stars). 2 submissions from 2 submitters: Uncertain significance (2). Last evaluated 2025-12-10.

Allele frequency attached by ClinVar (database versions not stated): gnomAD exomes 0.00006; TOPMed 0.00007; ExAC 0.00009; gnomAD 0.00009; ESP Exome Variant Server 0.00023.
gnomAD v4.1: 108 of 1,613,844 alleles (0.0067%); highest among the groups gnomAD compares: Non-Finnish European, 0.0082%; no homozygotes.

Submissions (2):

Ambry Genetics
Classification: Uncertain significance. Last evaluated: 2025-12-10. Review status: criteria provided, single submitter. Criteria: Ambry Variant Classification Scheme 2023. Collection method: clinical testing. Allele origin: germline.

CeGaT Center for Human Genetics Tuebingen
Classification: Uncertain significance. Last evaluated: 2024-12-01. Review status: criteria provided, single submitter. Criteria: CeGaT Center For Human Genetics Tuebingen Variant Classification Criteria Version 2. Collection method: clinical testing. Allele origin: germline. Affected: yes. Observed: 1 variant allele.
Comment: SVIL: PM2, BP4

NM_021738.3(SVIL):c.5407G>A (p.Val1803Met)

Genes: SVIL (supervillin; minus strand), SVIL-AS1 (SVIL antisense RNA 1; plus strand). Cytogenetic location: 10p11.23.
Variant type: single nucleotide variant.
Coding change: c.5407G>A on transcript NM_021738.3 (MANE Select); coding-DNA position 5407, G replaced by A.
Protein change: p.Val1803Met; replaces valine 1803 with methionine.
Molecular consequence: missense variant.
Genome position (GRCh38, 1-based): chr10:29,473,960, C>T on the plus strand (G>A on the coding strand, the complement: SVIL is on the minus strand). VCF-style: chr10-29473960-C-T. GRCh37 (hg19) VCF-style: chr10-29762889-C-T.
Other names: c.4477G>A, p.Val1493Met (NM_001323599.2); c.4225G>A, p.Val1409Met (NM_001323600.1); c.4129G>A, p.Val1377Met (NM_003174.3); short protein forms V1409M, V1377M, V1493M, V1803M.
Identifiers: ClinVar variation 2218149 (VCV002218149.15), dbSNP rs143673085, ClinGen allele CA5456193.